The following is an entry in ClinVar:

NM_000238.4(KCNH2):c.2587C>A (p.Arg863=)

Gene: KCNH2 (potassium voltage-gated channel subfamily H member 2; minus strand). Cytogenetic location: 7q36.1.
Variant type: single nucleotide variant.
Coding change: c.2587C>A on transcript NM_000238.4 (MANE Select); coding-DNA position 2587, C replaced by A.
Protein change: p.Arg863=; no amino-acid change (arginine 863 retained).
Molecular consequence: synonymous variant. On other transcripts: non-coding transcript variant (2).
Genome position (GRCh38, 1-based): chr7:150,948,861, G>T on the plus strand (C>A on the coding strand, the complement: KCNH2 is on the minus strand). VCF-style: chr7-150948861-G-T. GRCh37 (hg19) VCF-style: chr7-150645949-G-T.
Other names: c.2299C>A, p.Arg767= (NM_001406753.1); c.1567C>A, p.Arg523= (NM_172057.3).
Identifiers: ClinVar variation 3073164 (VCV003073164.1), dbSNP rs773724817, ClinGen allele CA458645112.

ClinVar aggregate classification (germline): Likely benign (1 of 4 stars; one submission).

Conditions:
Long QT syndrome (LQTS). Identifiers: MedGen C0023976, MeSH D008133, MONDO:0002442. Disease mechanism: loss of function. Inheritance: Various modes of inheritance.

Submission:

All of Us Research Program, National Institutes of Health
Classification: Likely benign for Long QT syndrome. Last evaluated: 2023-08-23. Review status: criteria provided, single submitter. Criteria: ACMG Guidelines, 2015. Collection method: clinical testing. Allele origin: germline. Inheritance: Autosomal dominant inheritance. Observed: 1 variant allele, 1 heterozygote.
Comment: This study involves interpretation of variants in research participants for the purpose of population health screening. Participant phenotype was not available at the time of variant classification. Additional details can be found in publication PMID: 35346344, PMCID: PMC8962531